The following is an entry in ClinVar:

NM_021830.5(TWNK):c.1926G>C (p.Lys642Asn)

Gene: TWNK (twinkle mtDNA helicase; plus strand). Cytogenetic location: 10q24.31.
Variant type: single nucleotide variant.
Coding change: c.1926G>C on transcript NM_021830.5 (MANE Select); coding-DNA position 1926, G replaced by C.
Protein change: p.Lys642Asn; replaces lysine 642 with asparagine.
Molecular consequence: missense variant. On other transcripts: 3 prime UTR variant (2), non-coding transcript variant (5).
Genome position (GRCh38, 1-based): chr10:100,993,381, G>C. VCF-style: chr10-100993381-G-C. GRCh37 (hg19) VCF-style: chr10-102753138-G-C.
Other names: c.*221G>C (NM_001163812.2, NM_001163814.2); c.564G>C, p.Lys188Asn (NM_001163813.2, NM_001368275.1); short protein forms K642N, K188N.
Identifiers: ClinVar variation 2024598 (VCV002024598.4), dbSNP rs1364270759, ClinGen allele CA378212702.

ClinVar aggregate classification (germline): Uncertain significance (1 of 4 stars; one submission).

Submission:

Labcorp Genetics (formerly Invitae), Labcorp
Classification: Uncertain significance. Last evaluated: 2022-08-19. Review status: criteria provided, single submitter. Criteria: Invitae Variant Classification Sherloc (09022015). Collection method: clinical testing. Allele origin: germline.
Comment: This variant has not been reported in the literature in individuals affected with TWNK-related conditions. In summary, the available evidence is currently insufficient to determine the role of this variant in disease. Therefore, it has been classified as a Variant of Uncertain Significance. Advanced modeling of protein sequence and biophysical properties (such as structural, functional, and spatial information, amino acid conservation, physicochemical variation, residue mobility, and thermodynamic stability) performed at Invitae indicates that this missense variant is not expected to disrupt TWNK protein function. This variant is not present in population databases (gnomAD no frequency). This sequence change replaces lysine, which is basic and polar, with asparagine, which is neutral and polar, at codon 642 of the TWNK protein (p.Lys642Asn).